The following is an entry in ClinVar:

ClinVar aggregate classification (germline): Uncertain significance (1 of 4 stars; one submission).

Conditions:
Rhabdoid tumor predisposition syndrome 2 (RTPS2). Identifiers: Orphanet 231108, Orphanet 69077, MedGen C2750074, MONDO:0013224, OMIM 613325.

Submission:

Labcorp Genetics (formerly Invitae), Labcorp
Classification: Uncertain significance for Rhabdoid tumor predisposition syndrome 2. Last evaluated: 2024-04-09. Review status: criteria provided, single submitter. Criteria: Invitae Variant Classification Sherloc (09022015). Collection method: clinical testing. Allele origin: germline.
Comment: This sequence change affects codon 74 of the SMARCA4 mRNA. It is a 'silent' change, meaning that it does not change the encoded amino acid sequence of the SMARCA4 protein. This variant also falls at the last nucleotide of exon 2, which is part of the consensus splice site for this exon. This variant is not present in population databases (gnomAD no frequency). This variant has not been reported in the literature in individuals affected with SMARCA4-related conditions. Variants that disrupt the consensus splice site are a relatively common cause of aberrant splicing (PMID: 17576681, 9536098). Algorithms developed to predict the effect of sequence changes on RNA splicing suggest that this variant may disrupt the consensus splice site. In summary, the available evidence is currently insufficient to determine the role of this variant in disease. Therefore, it has been classified as a Variant of Uncertain Significance.

Literature cited by the submitters: PubMed 17576681; PubMed 9536098.

NM_003072.5(SMARCA4):c.222G>A (p.Lys74=)

Gene: SMARCA4 (SWI/SNF related BAF chromatin remodeling complex subunit ATPase 4; plus strand). Cytogenetic location: 19p13.2.
Variant type: single nucleotide variant.
Coding change: c.222G>A on transcript NM_003072.5 (MANE Select); coding-DNA position 222, G replaced by A.
Protein change: p.Lys74=; no amino-acid change (lysine 74 retained).
Molecular consequence: synonymous variant. On other transcripts: non-coding transcript variant (1).
Genome position (GRCh38, 1-based): chr19:10,984,373, G>A. VCF-style: chr19-10984373-G-A. GRCh37 (hg19) VCF-style: chr19-11095049-G-A.
Other names: c.222G>A, p.Lys74= (NM_001128844.3, NM_001128845.2, NM_001128846.2 and 6 more transcripts).
Identifiers: ClinVar variation 3649084 (VCV003649084.2).